The following is an entry in ClinVar:

NM_002335.4(LRP5):c.3117C>G (p.Phe1039Leu)

Gene: LRP5 (LDL receptor related protein 5; plus strand). Cytogenetic location: 11q13.2.
Variant type: single nucleotide variant.
Coding change: c.3117C>G on transcript NM_002335.4 (MANE Select); coding-DNA position 3117, C replaced by G.
Protein change: p.Phe1039Leu; replaces phenylalanine 1039 with leucine.
Molecular consequence: missense variant.
Genome position (GRCh38, 1-based): chr11:68,423,578, C>G. VCF-style: chr11-68423578-C-G. GRCh37 (hg19) VCF-style: chr11-68191046-C-G.
Other names: c.1374C>G, p.Phe458Leu (NM_001291902.2); short protein forms F1039L, F458L.
Identifiers: ClinVar variation 1366527 (VCV001366527.8), dbSNP rs2098667035, ClinGen allele CA381620748.

ClinVar aggregate classification (germline): Uncertain significance (1 of 4 stars; one submission).

Allele frequency attached by ClinVar (database versions not stated): gnomAD exomes below 0.00001.
gnomAD v4.1: 1 of 1,614,266 alleles (0.000062%); highest among the groups gnomAD compares: East Asian, 0.0022%; no homozygotes.

Submission:

Labcorp Genetics (formerly Invitae), Labcorp
Classification: Uncertain significance. Last evaluated: 2023-11-06. Review status: criteria provided, single submitter. Criteria: Invitae Variant Classification Sherloc (09022015). Collection method: clinical testing. Allele origin: germline.
Comment: This sequence change replaces phenylalanine, which is neutral and non-polar, with leucine, which is neutral and non-polar, at codon 1039 of the LRP5 protein (p.Phe1039Leu). This variant is not present in population databases (gnomAD no frequency). This variant has not been reported in the literature in individuals affected with LRP5-related conditions. ClinVar contains an entry for this variant (Variation ID: 1366527). Advanced modeling of protein sequence and biophysical properties (such as structural, functional, and spatial information, amino acid conservation, physicochemical variation, residue mobility, and thermodynamic stability) performed at Invitae indicates that this missense variant is not expected to disrupt LRP5 protein function with a negative predictive value of 95%. In summary, the available evidence is currently insufficient to determine the role of this variant in disease. Therefore, it has been classified as a Variant of Uncertain Significance.